The following is an entry in ClinVar:

NM_032271.3(TRAF7):c.447G>A (p.Thr149=)

Gene: TRAF7 (TNF receptor associated factor 7; plus strand). Cytogenetic location: 16p13.3.
Variant type: single nucleotide variant.
Coding change: c.447G>A on transcript NM_032271.3 (MANE Select); coding-DNA position 447, G replaced by A.
Protein change: p.Thr149=; no amino-acid change (threonine 149 retained).
Molecular consequence: synonymous variant.
Genome position (GRCh38, 1-based): chr16:2,171,577, G>A. VCF-style: chr16-2171577-G-A. GRCh37 (hg19) VCF-style: chr16-2221578-G-A.
Identifiers: ClinVar variation 2646041 (VCV002646041.24), dbSNP rs762161563, ClinGen allele CA7834591.

ClinVar aggregate classification (germline): Likely benign (1 of 4 stars; one submission).

Allele frequency attached by ClinVar (database versions not stated): ExAC 0.00001; gnomAD 0.00001.
gnomAD v4.1: 9 of 1,613,218 alleles (0.00056%); highest among the groups gnomAD compares: East Asian, 0.0089%; no homozygotes.

Submission:

CeGaT Center for Human Genetics Tuebingen
Classification: Likely benign. Last evaluated: 2022-12-01. Review status: criteria provided, single submitter. Criteria: CeGaT Center For Human Genetics Tuebingen Variant Classification Criteria Version 2. Collection method: clinical testing. Allele origin: germline. Affected: yes. Observed: 1 variant allele.
Comment: TRAF7: BP4, BP7